The following is an entry in ClinVar:

NM_173628.4(DNAH17):c.2979C>G (p.Leu993=)

Genes: DNAH17 (dynein axonemal heavy chain 17; minus strand), LOC126862656 (MED14-independent group 3 enhancer GRCh37_chr17:76528450-76529649; plus strand). Cytogenetic location: 17q25.3.
Variant type: single nucleotide variant.
Coding change: c.2979C>G on transcript NM_173628.4 (MANE Select); coding-DNA position 2979, C replaced by G.
Protein change: p.Leu993=; no amino-acid change (leucine 993 retained).
Molecular consequence: synonymous variant.
Genome position (GRCh38, 1-based): chr17:78,532,617, G>C on the plus strand (C>G on the coding strand, the complement: DNAH17 is on the minus strand). VCF-style: chr17-78532617-G-C. GRCh37 (hg19) VCF-style: chr17-76528699-G-C.
Identifiers: ClinVar variation 3770507 (VCV003770507.13).
Genomic context (GRCh38, chr17:78,532,617, plus strand): 5'-AGTGACTGCACACCCATATATCAGGAAATTCTTCATAAACTCCTGCAGGTTGTCCGTCCA[G>C]AGGTAGGAGTACCTCTCAAAGGAATCCTGGTACTCCTCGGCCTCCTTCATGGCATTGATG-3'
Protein context (NP_775899.3, residues 983-1003): YQDSFERYSY[Leu993=]WTDNLQEFMK

ClinVar aggregate classification (germline): Likely benign (1 of 4 stars; one submission).

gnomAD v4.1: 298 of 1,605,666 alleles (0.019%); highest among the groups gnomAD compares: South Asian, 0.22%; 2 homozygotes.

Submission:

CeGaT Center for Human Genetics Tuebingen
Classification: Likely benign. Last evaluated: 2025-01-01. Review status: criteria provided, single submitter. Criteria: CeGaT Center For Human Genetics Tuebingen Variant Classification Criteria Version 2. Collection method: clinical testing. Allele origin: germline. Affected: yes. Observed: 1 variant allele.
Comment: DNAH17: BP4, BP7